The following is an entry in ClinVar:

ClinVar aggregate classification (germline): Uncertain significance. Review status: criteria provided, multiple submitters, no conflicts (2 of 4 stars). 2 submissions from 2 submitters: Uncertain significance (2). Last evaluated 2025-03-27.

Conditions:
Inborn genetic diseases. Identifiers: MedGen C0950123, MeSH D030342.

Allele frequency attached by ClinVar (database versions not stated): ExAC 0.00002; gnomAD 0.00002; gnomAD exomes 0.00002; TOPMed 0.00003; ESP Exome Variant Server 0.00008.
gnomAD v4.1: 27 of 1,612,938 alleles (0.0017%); highest among the groups gnomAD compares: Non-Finnish European, 0.002%; no homozygotes.

Submissions (2):

Ambry Genetics
Classification: Uncertain significance for Inborn genetic diseases. Last evaluated: 2025-03-27. Review status: criteria provided, single submitter. Criteria: Ambry Variant Classification Scheme 2023. Collection method: clinical testing. Allele origin: germline.

Labcorp Genetics (formerly Invitae), Labcorp
Classification: Uncertain significance. Last evaluated: 2023-10-19. Review status: criteria provided, single submitter. Criteria: Invitae Variant Classification Sherloc (09022015). Collection method: clinical testing. Allele origin: germline.
Comment: This sequence change replaces cysteine, which is neutral and slightly polar, with serine, which is neutral and polar, at codon 1040 of the LAMB1 protein (p.Cys1040Ser). This variant is present in population databases (rs377317974, gnomAD 0.01%). This variant has not been reported in the literature in individuals affected with LAMB1-related conditions. An algorithm developed to predict the effect of missense changes on protein structure and function (PolyPhen-2) suggests that this variant is likely to be disruptive. In summary, the available evidence is currently insufficient to determine the role of this variant in disease. Therefore, it has been classified as a Variant of Uncertain Significance.

NM_002291.3(LAMB1):c.3119G>C (p.Cys1040Ser)

Gene: LAMB1 (laminin subunit beta 1; minus strand). Cytogenetic location: 7q31.1.
Variant type: single nucleotide variant.
Coding change: c.3119G>C on transcript NM_002291.3 (MANE Select); coding-DNA position 3119, G replaced by C.
Protein change: p.Cys1040Ser; replaces cysteine 1040 with serine.
Molecular consequence: missense variant.
Genome position (GRCh38, 1-based): chr7:107,952,184, C>G on the plus strand (G>C on the coding strand, the complement: LAMB1 is on the minus strand). VCF-style: chr7-107952184-C-G. GRCh37 (hg19) VCF-style: chr7-107592629-C-G.
Other names: c.3119G>C (NM_002291.2); short protein forms C1040S.
Identifiers: ClinVar variation 3022324 (VCV003022324.4), dbSNP rs377317974, ClinGen allele CA4435425.